The following is an entry in ClinVar:

ClinVar aggregate classification (germline): Pathogenic/Likely pathogenic. Review status: criteria provided, multiple submitters, no conflicts (2 of 4 stars). 2 submissions from 2 submitters: Pathogenic (1); Likely pathogenic (1). Last evaluated 2023-01-23.

Conditions:
Charcot-Marie-Tooth disease type 2. Also called: Charcot-Marie-Tooth type 2. Identifiers: Orphanet 64746, MedGen C0270914, MONDO:0018993.

Submissions (2):

Labcorp Genetics (formerly Invitae), Labcorp
Classification: Pathogenic for Charcot-Marie-Tooth disease type 2. Last evaluated: 2023-01-23. Review status: criteria provided, single submitter. Criteria: Invitae Variant Classification Sherloc (09022015). Collection method: clinical testing. Allele origin: germline.
Comment: This variant has not been reported in the literature in individuals affected with LMNA-related conditions. This variant is not present in population databases (gnomAD no frequency). This sequence change creates a premature translational stop signal (p.Gln207*) in the LMNA gene. It is expected to result in an absent or disrupted protein product. Loss-of-function variants in LMNA are known to be pathogenic (PMID: 18585512, 18926329). ClinVar contains an entry for this variant (Variation ID: 426996). For these reasons, this variant has been classified as Pathogenic.

GeneDx
Classification: Likely pathogenic. Last evaluated: 2016-09-29. Review status: criteria provided, single submitter. Criteria: GeneDx Variant Classification (06012015). Collection method: clinical testing. Allele origin: germline. Affected: yes.
Comment: The Gln207Stop likely pathogenic variant in the LMNA gene has not been reported as a pathogenic variant or as a benign variant to our knowledge. Additionally, the Gln207Stop variant was not observed in approximately 6,500 individuals of European and African American ancestry in the NHLBI Exome Sequencing Project, indicating it is not a common benign variant in these populations. Gln207Stop is predicted to cause loss of normal protein function either by protein truncation or nonsense-mediated mRNA decay. Other nonsense variants in the LMNA gene have been reported in HGMD in association with cardiomyopathy (Stenson et al., 2014).While the Gln207Stop variant has not been published, it is expected to be pathogenic, However, other genetic and environmental factors influence disease expression and severity, and some individuals with a likely pathogenic variant may never become symptomatic.

Literature cited by the submitters: PubMed 18585512 (cited by Labcorp Genetics (formerly Invitae), Labcorp); PubMed 18926329 (cited by Labcorp Genetics (formerly Invitae), Labcorp).

NM_170707.4(LMNA):c.619C>T (p.Gln207Ter)

Gene: LMNA (lamin A/C; plus strand). Cytogenetic location: 1q22.
Variant type: single nucleotide variant.
Coding change: c.619C>T on transcript NM_170707.4 (MANE Select); coding-DNA position 619, C replaced by T.
Protein change: p.Gln207Ter; replaces glutamine 207 with a stop codon.
Molecular consequence: nonsense.
Genome position (GRCh38, 1-based): chr1:156,134,508, C>T. VCF-style: chr1-156134508-C-T. GRCh37 (hg19) VCF-style: chr1-156104299-C-T.
Other names: c.283C>T, p.Gln95Ter (NM_001257374.3); c.376C>T, p.Gln126Ter (NM_001282624.2); c.619C>T, p.Gln207Ter (NM_001282625.2, NM_001282626.2, NM_005572.4 and 1 more transcripts); short protein forms Q207*, Q95*, Q126*.
Identifiers: ClinVar variation 426996 (VCV000426996.5), dbSNP rs1085307888, ClinGen allele CA342817053.